The following is an entry in ClinVar:

NM_000548.5(TSC2):c.496C>A (p.Gln166Lys)

Gene: TSC2 (TSC complex subunit 2; plus strand). Cytogenetic location: 16p13.3.
Variant type: single nucleotide variant.
Coding change: c.496C>A on transcript NM_000548.5 (MANE Select); coding-DNA position 496, C replaced by A.
Protein change: p.Gln166Lys; replaces glutamine 166 with lysine.
Molecular consequence: missense variant. On other transcripts: 5 prime UTR variant (13), non-coding transcript variant (5), intron variant (7).
Genome position (GRCh38, 1-based): chr16:2,055,416, C>A. VCF-style: chr16-2055416-C-A. GRCh37 (hg19) VCF-style: chr16-2105417-C-A.
Other names: c.496C>A, p.Gln166Lys (NM_001077183.3, NM_001114382.3, NM_001363528.2 and 8 more transcripts); c.385C>A, p.Gln129Lys (NM_001318827.2, NM_001406670.1, NM_001406678.1); c.349C>A, p.Gln117Lys (NM_001318829.2, NM_001406675.1, NM_001406676.1 and 1 more transcripts); c.529C>A, p.Gln177Lys (NM_001318832.2); c.586C>A, p.Gln196Lys (NM_001406667.1, NM_001406668.1); c.439C>A, p.Gln147Lys (NM_001406677.1); c.-321C>A (NM_001406680.1, NM_001406683.1, NM_001406687.1); c.-936C>A (NM_001406689.1, NM_001406690.1, NM_001406691.1 and 2 more transcripts); and 6 more; short protein forms Q147K, Q177K, Q196K, Q166K, Q117K, Q129K.
Identifiers: ClinVar variation 2700135 (VCV002700135.3), dbSNP rs45517111, ClinGen allele CA394309117.
Genomic context (GRCh38, chr16:2,055,416, plus strand): 5'-GATGTAGATTCGGCGTCCTCGCAAACTGCCGCCGCTTCTCCCCCAGCTGACTTTGTCCTG[C>A]AGTGGATGGATGTTGGCTTGTCCTCGGAATTCCTTCTGGTGCTGGTGAACTTGGTCAAAT-3'
Protein context (NP_000539.2, residues 156-176): LEEELADFVL[Gln166Lys]WMDVGLSSEF

ClinVar aggregate classification (germline): Uncertain significance (1 of 4 stars; one submission).

Conditions:
Tuberous sclerosis 2 (TSC2). Identifiers: Orphanet 805, MedGen C1860707, MONDO:0013199, OMIM 613254.

Submission:

Labcorp Genetics (formerly Invitae), Labcorp
Classification: Uncertain significance for Tuberous sclerosis 2. Last evaluated: 2023-06-09. Review status: criteria provided, single submitter. Criteria: Invitae Variant Classification Sherloc (09022015). Collection method: clinical testing. Allele origin: germline.
Comment: In summary, the available evidence is currently insufficient to determine the role of this variant in disease. Therefore, it has been classified as a Variant of Uncertain Significance. Algorithms developed to predict the effect of sequence changes on RNA splicing suggest that this variant may disrupt the consensus splice site. Advanced modeling of protein sequence and biophysical properties (such as structural, functional, and spatial information, amino acid conservation, physicochemical variation, residue mobility, and thermodynamic stability) performed at Invitae indicates that this missense variant is not expected to disrupt TSC2 protein function. This variant has not been reported in the literature in individuals affected with TSC2-related conditions. This variant is not present in population databases (gnomAD no frequency). This sequence change replaces glutamine, which is neutral and polar, with lysine, which is basic and polar, at codon 166 of the TSC2 protein (p.Gln166Lys).